The following is an entry in ClinVar:

NM_147127.5(EVC2):c.1186G>A (p.Glu396Lys)

Genes: EVC2 (EvC ciliary complex subunit 2; minus strand), LOC126806961 (BRD4-independent group 4 enhancer GRCh37_chr4:5641443-5642642; plus strand). Cytogenetic location: 4p16.2.
Variant type: single nucleotide variant.
Coding change: c.1186G>A on transcript NM_147127.5 (MANE Select); coding-DNA position 1186, G replaced by A.
Protein change: p.Glu396Lys; replaces glutamic acid 396 with lysine.
Molecular consequence: missense variant.
Genome position (GRCh38, 1-based): chr4:5,640,798, C>T on the plus strand (G>A on the coding strand, the complement: EVC2 is on the minus strand). VCF-style: chr4-5640798-C-T. GRCh37 (hg19) VCF-style: chr4-5642525-C-T.
Other names: c.946G>A, p.Glu316Lys (NM_001166136.2); c.1186G>A (NM_147127.4); short protein forms E396K, E316K.
Identifiers: ClinVar variation 1370944 (VCV001370944.8), dbSNP rs2108864342, ClinGen allele CA356152457.

ClinVar aggregate classification (germline): Uncertain significance. Review status: criteria provided, multiple submitters, no conflicts (2 of 4 stars). 2 submissions from 2 submitters: Uncertain significance (2). Last evaluated 2026-01-05.

Conditions:
Inborn genetic diseases. Identifiers: MedGen C0950123, MeSH D030342.
Ellis-van Creveld syndrome (EVC). Also called: Chondroectodermal dysplasia; MESOECTODERMAL DYSPLASIA. Identifiers: Orphanet 289, MedGen C0013903, MONDO:0009162, OMIM 225500.
Curry-Hall syndrome (WAD). Also called: WEYERS ACRODENTAL DYSOSTOSIS. Identifiers: Orphanet 952, MedGen C0457013, MONDO:0008673, OMIM 193530.

Submissions (2):

Ambry Genetics
Classification: Uncertain significance for Inborn genetic diseases. Last evaluated: 2026-01-05. Review status: criteria provided, single submitter. Criteria: Ambry Variant Classification Scheme 2023. Collection method: clinical testing. Allele origin: germline.

Labcorp Genetics (formerly Invitae), Labcorp
Classification: Uncertain significance for Curry-Hall syndrome; Ellis-van Creveld syndrome. Last evaluated: 2024-01-24. Review status: criteria provided, single submitter. Criteria: Invitae Variant Classification Sherloc (09022015). Collection method: clinical testing. Allele origin: germline.
Comment: This sequence change replaces glutamic acid, which is acidic and polar, with lysine, which is basic and polar, at codon 396 of the EVC2 protein (p.Glu396Lys). This variant is not present in population databases (gnomAD no frequency). This variant has not been reported in the literature in individuals affected with EVC2-related conditions. ClinVar contains an entry for this variant (Variation ID: 1370944). An algorithm developed to predict the effect of missense changes on protein structure and function (PolyPhen-2) suggests that this variant is likely to be disruptive. In summary, the available evidence is currently insufficient to determine the role of this variant in disease. Therefore, it has been classified as a Variant of Uncertain Significance.